The following is an entry in ClinVar:

NM_000288.4(PEX7):c.648C>T (p.Thr216=)

Gene: PEX7 (peroxisomal biogenesis factor 7; plus strand). Cytogenetic location: 6q23.3.
Variant type: single nucleotide variant.
Coding change: c.648C>T on transcript NM_000288.4 (MANE Select); coding-DNA position 648, C replaced by T.
Protein change: p.Thr216=; no amino-acid change (threonine 216 retained).
Molecular consequence: synonymous variant.
Genome position (GRCh38, 1-based): chr6:136,869,904, C>T. VCF-style: chr6-136869904-C-T. GRCh37 (hg19) VCF-style: chr6-137191042-C-T.
Other names: c.648C>T (NM_000288.3).
Identifiers: ClinVar variation 1136665 (VCV001136665.11), dbSNP rs754226264, ClinGen allele CA4017686.

ClinVar aggregate classification (germline): Likely benign. Review status: criteria provided, multiple submitters, no conflicts (2 of 4 stars). 3 submissions from 3 submitters: Likely benign (3). Last evaluated 2025-12-16.

Conditions:
PEX7-related disorder. Also called: PEX7-related disorders; PEX7-related condition. Identifiers: MedGen CN239409.
Peroxisome biogenesis disorder 9B. Also called: PEX7-Related Refsum Disease; PEROXISOME BIOGENESIS DISORDER, PEX7-RELATED, ATYPICAL; Refsum disease, adult, 2. Identifiers: Orphanet 773, MedGen C2749346, MONDO:0013945, OMIM 614879.

Allele frequency attached by ClinVar (database versions not stated): gnomAD exomes 0.00002 and 0.00004; TOPMed 0.00002; gnomAD 0.00003; ExAC 0.00006.
gnomAD v4.1: 41 of 1,613,608 alleles (0.0025%); highest among the groups gnomAD compares: South Asian, 0.024%; no homozygotes.

Submissions (3):

Labcorp Genetics (formerly Invitae), Labcorp
Classification: Likely benign for Peroxisome biogenesis disorder 9B. Last evaluated: 2025-12-16. Review status: criteria provided, single submitter. Criteria: Invitae Variant Classification Sherloc (09022015). Collection method: clinical testing. Allele origin: germline.

PreventionGenetics, part of Exact Sciences
Classification: Likely benign for PEX7-related condition. Last evaluated: 2025-06-19. Review status: criteria provided, single submitter. Criteria: ACMG Guidelines, 2015. Collection method: clinical testing. Allele origin: germline.
Comment: This variant is classified as likely benign based on ACMG/AMP sequence variant interpretation guidelines (Richards et al. 2015 PMID: 25741868, with internal and published modifications).

Blueprint Genetics
Classification: Likely benign. Last evaluated: 2022-09-12. Review status: criteria provided, single submitter. Criteria: ACMG Guidelines, 2015. Collection method: clinical testing. Allele origin: germline.